The following is an entry in ClinVar:

NM_001365999.1(SZT2):c.629A>G (p.Gln210Arg)

Gene: SZT2 (SZT2 subunit of KICSTOR complex; plus strand). Cytogenetic location: 1p34.2.
Variant type: single nucleotide variant.
Coding change: c.629A>G on transcript NM_001365999.1 (MANE Select); coding-DNA position 629, A replaced by G.
Protein change: p.Gln210Arg; replaces glutamine 210 with arginine.
Molecular consequence: missense variant.
Genome position (GRCh38, 1-based): chr1:43,415,212, A>G. VCF-style: chr1-43415212-A-G. GRCh37 (hg19) VCF-style: chr1-43880883-A-G.
Other names: c.629A>G, p.Gln210Arg (NM_015284.4); short protein forms Q210R.
Identifiers: ClinVar variation 586768 (VCV000586768.7), dbSNP rs1557531808, ClinGen allele CA340001239.

ClinVar aggregate classification (germline): Uncertain significance. Review status: criteria provided, multiple submitters, no conflicts (2 of 4 stars). 3 submissions from 3 submitters: Uncertain significance (3). Last evaluated 2023-04-11.

Conditions:
Developmental and epileptic encephalopathy, 18 (DEE18). Also called: Early infantile epileptic encephalopathy 18. Identifiers: Orphanet 369894, MedGen C3809624, MONDO:0014201, OMIM 615476.

Allele frequency attached by ClinVar (database versions not stated): gnomAD exomes below 0.00001 and 0.00001; TOPMed below 0.00001; gnomAD 0.00001.
gnomAD v4.1: 12 of 1,597,596 alleles (0.00075%); highest among the groups gnomAD compares: Non-Finnish European, 0.001%; no homozygotes.

Submissions (3):

Genome-Nilou Lab
Classification: Uncertain significance for Developmental and epileptic encephalopathy, 18. Last evaluated: 2023-04-11. Review status: criteria provided, single submitter. Criteria: ACMG Guidelines, 2015. Collection method: clinical testing. Allele origin: germline. Affected: no.

GeneDx
Classification: Uncertain significance. Last evaluated: 2022-02-14. Review status: criteria provided, single submitter. Criteria: GeneDx Variant Classification Process June 2021. Collection method: clinical testing. Allele origin: germline. Affected: yes.
Comment: Not observed at significant frequency in large population cohorts (gnomAD); In silico analysis supports that this missense variant does not alter protein structure/function; Has not been previously published as pathogenic or benign to our knowledge

Athena Diagnostics
Classification: Uncertain significance. Last evaluated: 2019-03-07. Review status: criteria provided, single submitter. Criteria: Athena Diagnostics Criteria. Collection method: clinical testing. Allele origin: germline.